The following is an entry in ClinVar:

NM_000512.5(GALNS):c.1058C>T (p.Ala353Val)

Gene: GALNS (galactosamine (N-acetyl)-6-sulfatase; minus strand). Cytogenetic location: 16q24.3.
Variant type: single nucleotide variant.
Coding change: c.1058C>T on transcript NM_000512.5 (MANE Select); coding-DNA position 1058, C replaced by T.
Protein change: p.Ala353Val; replaces alanine 353 with valine.
Molecular consequence: missense variant.
Genome position (GRCh38, 1-based): chr16:88,826,783, G>A on the plus strand (C>T on the coding strand, the complement: GALNS is on the minus strand). VCF-style: chr16-88826783-G-A. GRCh37 (hg19) VCF-style: chr16-88893191-G-A.
Other names: c.503C>T, p.Ala168Val (NM_001323543.2); c.1076C>T, p.Ala359Val (NM_001323544.2); short protein forms A353V, A168V, A359V.
Identifiers: ClinVar variation 1483506 (VCV001483506.5), dbSNP rs774113183, ClinGen allele CA8234838.
Genomic context (GRCh38, chr16:88,826,783, plus strand): 5'-AGGAGGGTGGGGAGGAGGTTGAGGCCATCAATGGCCCTGTCGCTGGGCGGCGTCAGGCCC[G>A]CAAGGGCCAGGCTGGTGGTGAAGAGGTCCATGATGCTGCCCAGCTGGTGGCTCACCTGAA-3'
Protein context (NP_000503.1, residues 343-363): MDLFTTSLAL[Ala353Val]GLTPPSDRAI

ClinVar aggregate classification (germline): Uncertain significance (1 of 4 stars; one submission).

Conditions:
Mucopolysaccharidosis, MPS-IV-A (MPS4A). Also called: MPS IVA; GALACTOSAMINE-6-SULFATASE DEFICIENCY; GALNS DEFICIENCY; MORQUIO A DISEASE; Morquio syndrome A, mild; MORQUIO SYNDROME A. Identifiers: Orphanet 309297, Orphanet 582, MedGen C0086651, MONDO:0009659, OMIM 253000.

Allele frequency attached by ClinVar (database versions not stated): ExAC 0.00008.

Submission:

Labcorp Genetics (formerly Invitae), Labcorp
Classification: Uncertain significance for Mucopolysaccharidosis, MPS-IV-A. Last evaluated: 2024-02-23. Review status: criteria provided, single submitter. Criteria: Invitae Variant Classification Sherloc (09022015). Collection method: clinical testing. Allele origin: germline.
Comment: This sequence change replaces alanine, which is neutral and non-polar, with valine, which is neutral and non-polar, at codon 353 of the GALNS protein (p.Ala353Val). The frequency data for this variant in the population databases is considered unreliable, as metrics indicate poor data quality at this position in the gnomAD database. This variant has not been reported in the literature in individuals affected with GALNS-related conditions. ClinVar contains an entry for this variant (Variation ID: 1483506). Advanced modeling of protein sequence and biophysical properties (such as structural, functional, and spatial information, amino acid conservation, physicochemical variation, residue mobility, and thermodynamic stability) performed at Invitae indicates that this missense variant is expected to disrupt GALNS protein function with a positive predictive value of 95%. In summary, the available evidence is currently insufficient to determine the role of this variant in disease. Therefore, it has been classified as a Variant of Uncertain Significance.